The following is an entry in ClinVar:

ClinVar aggregate classification (germline): Uncertain significance. Review status: criteria provided, multiple submitters, no conflicts (2 of 4 stars). 2 submissions from 2 submitters: Uncertain significance (2). Last evaluated 2024-04-12.

Conditions:
Donnai-Barrow syndrome. Also called: DBS/FOAR SYNDROME; FACIOOCULOACOUSTICORENAL SYNDROME. Identifiers: Orphanet 2143, MedGen C1857277, MONDO:0009104, OMIM 222448.

Allele frequency attached by ClinVar (database versions not stated): gnomAD 0.00001; gnomAD exomes 0.00001; TOPMed 0.00001.
gnomAD v4.1: 17 of 1,614,076 alleles (0.0011%); highest among the groups gnomAD compares: Non-Finnish European, 0.0014%; no homozygotes.

Submissions (2):

Fulgent Genetics
Classification: Uncertain significance for Donnai-Barrow syndrome. Last evaluated: 2024-04-12. Review status: criteria provided, single submitter. Criteria: ACMG Guidelines, 2015. Collection method: clinical testing. Allele origin: germline.

Labcorp Genetics (formerly Invitae), Labcorp
Classification: Uncertain significance. Last evaluated: 2022-04-06. Review status: criteria provided, single submitter. Criteria: Invitae Variant Classification Sherloc (09022015). Collection method: clinical testing. Allele origin: germline.
Comment: This sequence change replaces glycine, which is neutral and non-polar, with serine, which is neutral and polar, at codon 1586 of the LRP2 protein (p.Gly1586Ser). This variant is not present in population databases (gnomAD no frequency). This variant has not been reported in the literature in individuals affected with LRP2-related conditions. Advanced modeling of protein sequence and biophysical properties (such as structural, functional, and spatial information, amino acid conservation, physicochemical variation, residue mobility, and thermodynamic stability) performed at Invitae indicates that this missense variant is expected to disrupt LRP2 protein function. In summary, the available evidence is currently insufficient to determine the role of this variant in disease. Therefore, it has been classified as a Variant of Uncertain Significance.

NM_004525.3(LRP2):c.4756G>A (p.Gly1586Ser)

Gene: LRP2 (LDL receptor related protein 2; minus strand). Cytogenetic location: 2q31.1.
Variant type: single nucleotide variant.
Coding change: c.4756G>A on transcript NM_004525.3 (MANE Select); coding-DNA position 4756, G replaced by A.
Protein change: p.Gly1586Ser; replaces glycine 1586 with serine.
Molecular consequence: missense variant.
Genome position (GRCh38, 1-based): chr2:169,236,004, C>T on the plus strand (G>A on the coding strand, the complement: LRP2 is on the minus strand). VCF-style: chr2-169236004-C-T. GRCh37 (hg19) VCF-style: chr2-170092514-C-T.
Other names: short protein forms G1586S.
Identifiers: ClinVar variation 1397690 (VCV001397690.6), dbSNP rs879832194, ClinGen allele CA59911908.
Genomic context (GRCh38, chr2:169,236,004, plus strand): 5'-CAATAGTTAAGCCGCAGGGCCAGAAGATCTTGTCCTGGACAATGACAGTGCGCATGCTGC[C>T]GTCCATGCTGGCTCGCTCGATGCGAGGGTGGTGGCCCCAGTCAGACCAGAACAGTAGATG-3'
Protein context (NP_004516.2, residues 1576-1596): HPRIERASMD[Gly1586Ser]SMRTVIVQDK